The following is an entry in ClinVar:

ClinVar aggregate classification (germline): Uncertain significance (1 of 4 stars; one submission).

Conditions:
Inborn genetic diseases. Identifiers: MedGen C0950123, MeSH D030342.

gnomAD v4.1: 2 of 1,415,206 alleles (0.00014%); no homozygotes.

Submission:

Ambry Genetics
Classification: Uncertain significance for Inborn genetic diseases. Last evaluated: 2026-03-11. Review status: criteria provided, single submitter. Criteria: Ambry Variant Classification Scheme 2023. Collection method: clinical testing. Allele origin: germline.
Comment: The p.E238K variant (also known as c.712G>A), located in coding exon 1 of the SH2B3 gene, results from a G to A substitution at nucleotide position 712. The glutamic acid at codon 238 is replaced by lysine, an amino acid with similar properties. This amino acid position is conserved. In addition, the in silico prediction for this alteration is inconclusive. Based on the available evidence, the clinical significance of this variant remains unclear.

NM_005475.3(SH2B3):c.712G>A (p.Glu238Lys)

Gene: SH2B3 (SH2B adaptor protein 3; plus strand). Cytogenetic location: 12q24.12.
Variant type: single nucleotide variant.
Coding change: c.712G>A on transcript NM_005475.3 (MANE Select); coding-DNA position 712, G replaced by A.
Protein change: p.Glu238Lys; replaces glutamic acid 238 with lysine.
Molecular consequence: missense variant.
Genome position (GRCh38, 1-based): chr12:111,418,857, G>A. VCF-style: chr12-111418857-G-A. GRCh37 (hg19) VCF-style: chr12-111856661-G-A.
Other names: short protein forms E238K.
Identifiers: ClinVar variation 4826782 (VCV004826782.1).